The following is an entry in ClinVar:

NM_012452.3(TNFRSF13B):c.452C>T (p.Pro151Leu)

Gene: TNFRSF13B (TNF receptor superfamily member 13B; minus strand). Cytogenetic location: 17p11.2.
Variant type: single nucleotide variant.
Coding change: c.452C>T on transcript NM_012452.3 (MANE Select); coding-DNA position 452, C replaced by T.
Protein change: p.Pro151Leu; replaces proline 151 with leucine.
Molecular consequence: missense variant.
Genome position (GRCh38, 1-based): chr17:16,940,505, G>A on the plus strand (C>T on the coding strand, the complement: TNFRSF13B is on the minus strand). VCF-style: chr17-16940505-G-A. GRCh37 (hg19) VCF-style: chr17-16843819-G-A.
Other names: short protein forms P151L.
Identifiers: ClinVar variation 546790 (VCV000546790.51), dbSNP rs200037919, ClinGen allele CA8413978.
Genomic context (GRCh38, chr17:16,940,505, plus strand): 5'-AGGCAGAGCCCCAGCGTGCTGTAGACCAGGGCCACCTGATCTGCACTCAGCTTCAGCCCC[G>A]GGAGAGCTGCAAGACAGCATGAGACCCCTCTCTGCAGTGCCTTCTTCTCTTCCCGTCATT-3'
Protein context (NP_036584.1, residues 141-161): HRGSEASPAL[Pro151Leu]GLKLSADQVA

ClinVar aggregate classification (germline): Uncertain significance. Review status: criteria provided, multiple submitters, no conflicts (2 of 4 stars). 4 submissions from 4 submitters: Uncertain significance (4). Last evaluated 2026-05-14.

Conditions:
Immunodeficiency, common variable, 2 (CVID2). Also called: HYPOGAMMAGLOBULINEMIA DUE TO TACI DEFICIENCY; ANTIBODY DEFICIENCY DUE TO TACI DEFECT. Identifiers: Orphanet 1572, MedGen C3150354, MONDO:0009413, OMIM 240500.
Immunoglobulin A deficiency 2 (IGAD2). Identifiers: MedGen C1836032, MONDO:0012291, OMIM 609529.

Allele frequency attached by ClinVar (database versions not stated): gnomAD 0.00006; gnomAD exomes 0.00007 and 0.00012; TOPMed 0.00009; ExAC 0.00011; 1000 Genomes Project 30x 0.00016; 1000 Genomes Project 0.00020.
gnomAD v4.1: 122 of 1,613,292 alleles (0.0076%); highest among the groups gnomAD compares: Middle Eastern, 0.033%; no homozygotes.

Submissions (4):

Division of Clinical Immunology and Allergy, Necmettin Erbakan University, Faculty of Medicine
Classification: Uncertain significance for Immunodeficiency, common variable, 2; Immunoglobulin A deficiency 2. Last evaluated: 2026-05-14. Review status: criteria provided, single submitter. Criteria: ACMG Guidelines, 2015. Collection method: clinical testing. Allele origin: germline. Affected: yes. Observed: 1 variant allele.

GeneDx
Classification: Uncertain significance. Last evaluated: 2025-08-21. Review status: criteria provided, single submitter. Criteria: GeneDx Variant Classification Process June 2021. Collection method: clinical testing. Allele origin: germline.
Comment: Identified in the heterozygous state in individuals with CVID, however, segregation information and clinical information on these individuals was limited (PMID: 27123465, 33859323, 34441032); Identified in trans with a second TNFRSF13 variant in an individual with very early onset inflammatory bowel disease (PMID: 29531467); In silico analysis suggests that this missense variant does not alter protein structure/function; This variant is associated with the following publications: (PMID: 27123465, 33859323, 34441032, 29531467)

Labcorp Genetics (formerly Invitae), Labcorp
Classification: Uncertain significance for Immunodeficiency, common variable, 2. Last evaluated: 2023-11-28. Review status: criteria provided, single submitter. Criteria: Invitae Variant Classification Sherloc (09022015). Collection method: clinical testing. Allele origin: germline.
Comment: This sequence change replaces proline, which is neutral and non-polar, with leucine, which is neutral and non-polar, at codon 151 of the TNFRSF13B protein (p.Pro151Leu). This variant is present in population databases (rs200037919, gnomAD 0.03%). This missense change has been observed in individual(s) with TNFRSF13B-related conditions (PMID: 27123465, 29531467, 33859323, 34441032). ClinVar contains an entry for this variant (Variation ID: 546790). Advanced modeling of protein sequence and biophysical properties (such as structural, functional, and spatial information, amino acid conservation, physicochemical variation, residue mobility, and thermodynamic stability) performed at Invitae indicates that this missense variant is not expected to disrupt TNFRSF13B protein function with a negative predictive value of 80%. In summary, the available evidence is currently insufficient to determine the role of this variant in disease. Therefore, it has been classified as a Variant of Uncertain Significance.

CeGaT Center for Human Genetics Tuebingen
Classification: Uncertain significance. Last evaluated: 2017-12-01. Review status: criteria provided, single submitter. Criteria: CeGaT Center For Human Genetics Tuebingen Variant Classification Criteria Version 2. Collection method: clinical testing. Allele origin: germline. Affected: yes. Observed: 1 variant allele.

Literature cited by the submitters: PubMed 27123465 (cited by Labcorp Genetics (formerly Invitae), Labcorp); PubMed 29531467 (cited by Labcorp Genetics (formerly Invitae), Labcorp); PubMed 33859323 (cited by Labcorp Genetics (formerly Invitae), Labcorp); PubMed 34441032 (cited by Labcorp Genetics (formerly Invitae), Labcorp).